The following is an entry in ClinVar:

NM_000093.5(COL5A1):c.2431-1G>A

Gene: COL5A1 (collagen type V alpha 1 chain; plus strand). Cytogenetic location: 9q34.3.
Variant type: single nucleotide variant.
Coding change: c.2431-1G>A on transcript NM_000093.5 (MANE Select); the canonical splice acceptor site of the intron before coding-DNA position 2431, G replaced by A.
Molecular consequence: splice acceptor variant.
Genome position (GRCh38, 1-based): chr9:134,782,666, G>A. VCF-style: chr9-134782666-G-A. GRCh37 (hg19) VCF-style: chr9-137674512-G-A.
Other names: c.2431-1G>A (NM_001278074.1).
Identifiers: ClinVar variation 2413188 (VCV002413188.10), dbSNP rs2490715052, ClinGen allele CA375453910.

ClinVar aggregate classification (germline): Likely pathogenic (1 of 4 stars; one submission).

Conditions:
Ehlers-Danlos syndrome, classic type, 1 (EDSCL1). Also called: EDS I; EHLERS-DANLOS SYNDROME, GRAVIS TYPE; EHLERS-DANLOS SYNDROME, SEVERE CLASSIC TYPE; Ehlers-Danlos syndrome, type 1; Ehlers-Danlos Syndrome, Classic Type, COL5A1-Related. Identifiers: MedGen C0268335, MONDO:0019567, OMIM 130000.

Submission:

ConGen
Classification: Likely pathogenic for Ehlers-Danlos syndrome, classic type, 1. Last evaluated: 2023-01-23. Review status: criteria provided, single submitter. Criteria: ACMG Guidelines, 2015. Collection method: clinical testing. Allele origin: germline. Inheritance: Autosomal dominant inheritance. Affected: yes. Observed: 1 heterozygote.
Comment: The variant c.2431-1G>A corresponds to a single nucleotide change at position 2431 of the gene (a guanine -G- has been replaced by an adenine -A-). This position (-1) belongs to the splicing acceptor site of intron 28, which is located between exons 28 and 29 of the gene. Due to the fact that the nucleotide change affects a key position for the recognition and subsequent elimination of the intronic sequence, it is expected that an alteration in the reading frame of the gene will occur, which could give rise to a non-functional α1 collagen chain protein ( PVS1). Other studies demonstrated that skipping of exon 29 is pathogenic (PMID:33834621). In addition, this variant has not been identified in any population database, so its frequency is extremely low (PM2).

Literature cited by the submitters: PubMed 33834621.